The following is an entry in ClinVar:

ClinVar aggregate classification (germline): Uncertain significance (1 of 4 stars; one submission).

Allele frequency attached by ClinVar (database versions not stated): TOPMed below 0.00001; gnomAD 0.00001; gnomAD exomes 0.00002; ExAC 0.00004.

Submission:

Labcorp Genetics (formerly Invitae), Labcorp
Classification: Uncertain significance. Last evaluated: 2023-04-21. Review status: criteria provided, single submitter. Criteria: Invitae Variant Classification Sherloc (09022015). Collection method: clinical testing. Allele origin: germline.
Comment: This sequence change replaces arginine, which is basic and polar, with tryptophan, which is neutral and slightly polar, at codon 804 of the KIF20A protein (p.Arg804Trp). In summary, the available evidence is currently insufficient to determine the role of this variant in disease. Therefore, it has been classified as a Variant of Uncertain Significance. This variant has not been reported in the literature in individuals affected with KIF20A-related conditions. An algorithm developed to predict the effect of missense changes on protein structure and function (PolyPhen-2) suggests that this variant is likely to be disruptive. This variant is present in population databases (rs746350240, gnomAD 0.02%).

NM_005733.3(KIF20A):c.2410C>T (p.Arg804Trp)

Gene: KIF20A (kinesin family member 20A; plus strand). Cytogenetic location: 5q31.2.
Variant type: single nucleotide variant.
Coding change: c.2410C>T on transcript NM_005733.3 (MANE Select); coding-DNA position 2410, C replaced by T.
Protein change: p.Arg804Trp; replaces arginine 804 with tryptophan.
Molecular consequence: missense variant.
Genome position (GRCh38, 1-based): chr5:138,187,150, C>T. VCF-style: chr5-138187150-C-T. GRCh37 (hg19) VCF-style: chr5-137522839-C-T.
Other names: short protein forms R804W.
Identifiers: ClinVar variation 2886967 (VCV002886967.3), dbSNP rs746350240, ClinGen allele CA3426914.
Genomic context (GRCh38, chr5:138,187,150, plus strand): 5'-CCTTAGGACCAGACTCTGGCTGAACTGCAGAACAACATGGTGCTAGTGAAACTGGACCTT[C>T]GGAAGAAGGCAGCATGTATTGCTGAGCAGTATCATACTGTGTTGAAACTCCAAGGCCAGG-3'
Protein context (NP_005724.1, residues 794-814): NNMVLVKLDL[Arg804Trp]KKAACIAEQY